The following is an entry in ClinVar:

ClinVar aggregate classification (germline): Uncertain significance (1 of 4 stars; one submission).

gnomAD v4.1: 1 of 1,597,906 alleles (0.000063%); highest among the groups gnomAD compares: Non-Finnish European, 0.000086%; no homozygotes.

Submission:

GeneDx
Classification: Uncertain significance. Last evaluated: 2023-12-13. Review status: criteria provided, single submitter. Criteria: GeneDx Variant Classification Process June 2021. Collection method: clinical testing. Allele origin: germline. Affected: yes.
Comment: Not observed at significant frequency in large population cohorts (gnomAD); Missense variants in this gene are a common cause of disease and they are underrepresented in the general population; In silico analysis supports that this missense variant has a deleterious effect on protein structure/function; Has not been previously published as pathogenic or benign to our knowledge; This substitution is predicted to be within the extracellular loop between the S1 and S2 transmembrane segments of the first homologous domain

NM_001165963.4(SCN1A):c.454G>A (p.Asp152Asn)

Gene: SCN1A (sodium voltage-gated channel alpha subunit 1; minus strand). Cytogenetic location: 2q24.3.
Variant type: single nucleotide variant.
Coding change: c.454G>A on transcript NM_001165963.4 (MANE Select); coding-DNA position 454, G replaced by A.
Protein change: p.Asp152Asn; replaces aspartic acid 152 with asparagine.
Molecular consequence: missense variant. On other transcripts: 5 prime UTR variant (1), non-coding transcript variant (1).
Genome position (GRCh38, 1-based): chr2:166,056,430, C>T on the plus strand (G>A on the coding strand, the complement: SCN1A is on the minus strand). VCF-style: chr2-166056430-C-T. GRCh37 (hg19) VCF-style: chr2-166912940-C-T.
Other names: c.454G>A, p.Asp152Asn (NM_001165964.3, NM_001202435.3, NM_001353948.2 and 10 more transcripts); c.-1972G>A (NM_001353961.2); short protein forms D152N.
Identifiers: ClinVar variation 3365555 (VCV003365555.1).